The following is an entry in ClinVar:

ClinVar aggregate classification (germline): Uncertain significance. Review status: criteria provided, multiple submitters, no conflicts (2 of 4 stars). 2 submissions from 2 submitters: Uncertain significance (2). Last evaluated 2025-05-01.

Submissions (2):

Ambry Genetics
Classification: Uncertain significance. Last evaluated: 2025-05-01. Review status: criteria provided, single submitter. Criteria: Ambry Variant Classification Scheme 2023. Collection method: clinical testing. Allele origin: germline.

GeneDx
Classification: Uncertain significance. Last evaluated: 2024-01-23. Review status: criteria provided, single submitter. Criteria: GeneDx Variant Classification Process June 2021. Collection method: clinical testing. Allele origin: germline. Affected: yes.
Comment: Not observed at significant frequency in large population cohorts (gnomAD); In silico analysis supports that this missense variant does not alter protein structure/function; Has not been previously published as pathogenic or benign to our knowledge

NM_002972.4(SBF1):c.431T>C (p.Val144Ala)

Gene: SBF1 (SET binding factor 1; minus strand). Cytogenetic location: 22q13.33.
Variant type: single nucleotide variant.
Coding change: c.431T>C on transcript NM_002972.4 (MANE Select); coding-DNA position 431, T replaced by C.
Protein change: p.Val144Ala; replaces valine 144 with alanine.
Molecular consequence: missense variant.
Genome position (GRCh38, 1-based): chr22:50,467,539, A>G on the plus strand (T>C on the coding strand, the complement: SBF1 is on the minus strand). VCF-style: chr22-50467539-A-G. GRCh37 (hg19) VCF-style: chr22-50905968-A-G.
Other names: c.434T>C, p.Val145Ala (NM_001365819.1, NM_001410794.1); c.431T>C, p.Val144Ala (NM_001410795.1); short protein forms V144A, V145A.
Identifiers: ClinVar variation 3368306 (VCV003368306.2).